The following is an entry in ClinVar:

NM_000051.4(ATM):c.3978C>A (p.Asn1326Lys)

Gene: ATM (ATM serine/threonine kinase; plus strand). Cytogenetic location: 11q22.3.
Variant type: single nucleotide variant.
Coding change: c.3978C>A on transcript NM_000051.4 (MANE Select); coding-DNA position 3978, C replaced by A.
Protein change: p.Asn1326Lys; replaces asparagine 1326 with lysine.
Molecular consequence: missense variant.
Genome position (GRCh38, 1-based): chr11:108,284,458, C>A. VCF-style: chr11-108284458-C-A. GRCh37 (hg19) VCF-style: chr11-108155185-C-A.
Other names: c.3978C>A, p.Asn1326Lys (NM_001351834.2); short protein forms N1326K.
Identifiers: ClinVar variation 186087 (VCV000186087.38), dbSNP rs778123057, ClinGen allele CA193830.

ClinVar aggregate classification (germline): Conflicting classifications of pathogenicity. Review status: criteria provided, conflicting classifications (1 of 4 stars). 13 submissions from 13 submitters: Uncertain significance (11); Likely benign (1). 1 of the submissions does not count toward it. Last evaluated 2026-01-05.

Conditions:
ATM-related cancer predisposition. Also called: ATM-related cancer susceptibility. Identifiers: MedGen CN377759, MONDO:0700270.
Hereditary cancer-predisposing syndrome. Also called: Neoplastic Syndromes, Hereditary; Hereditary neoplastic syndrome; Tumor predisposition; Hereditary Cancer Syndrome. Identifiers: Orphanet 140162, MedGen C0027672, MeSH D009386, MONDO:0015356.
Familial cancer of breast. Also called: BREAST CANCER, FAMILIAL; Hereditary breast cancer; hereditary breast carcinoma. Identifiers: Orphanet 227535, MedGen C0346153, MONDO:0016419, OMIM 114480. Disease mechanism: loss of function.
Ataxia-telangiectasia syndrome (AT). Also called: LOUIS-BAR SYNDROME; Ataxia-telangiectasia, complementation group D; AT, COMPLEMENTATION GROUP C; ATAXIA-TELANGIECTASIA, COMPLEMENTATION GROUP A; ATAXIA-TELANGIECTASIA, FRESNO VARIANT; Ataxia-telangiectasia. Identifiers: Orphanet 100, MedGen C0004135, MONDO:0008840, OMIM 208900.

Allele frequency attached by ClinVar (database versions not stated): ExAC 0.00002; gnomAD 0.00002; TOPMed 0.00003; gnomAD exomes below 0.00001.
gnomAD v4.1: 12 of 1,613,808 alleles (0.00074%); highest among the groups gnomAD compares: African/African-American, 0.015%; no homozygotes.

Submissions (13):

Labcorp Genetics (formerly Invitae), Labcorp
Classification: Uncertain significance for Ataxia-telangiectasia syndrome. Last evaluated: 2026-01-05. Review status: criteria provided, single submitter. Criteria: Invitae Variant Classification Sherloc (09022015). Collection method: clinical testing. Allele origin: germline.
Comment: This sequence change replaces asparagine, which is neutral and polar, with lysine, which is basic and polar, at codon 1326 of the ATM protein (p.Asn1326Lys). This variant is present in population databases (rs778123057, gnomAD 0.01%). This variant has not been reported in the literature in individuals affected with ATM-related conditions. ClinVar contains an entry for this variant (Variation ID: 186087). Invitae Evidence Modeling of protein sequence and biophysical properties (such as structural, functional, and spatial information, amino acid conservation, physicochemical variation, residue mobility, and thermodynamic stability) indicates that this missense variant is not expected to disrupt ATM protein function with a negative predictive value of 95%. In summary, the available evidence is currently insufficient to determine the role of this variant in disease. Therefore, it has been classified as a Variant of Uncertain Significance.

Women's Health and Genetics/Laboratory Corporation of America, LabCorp
Classification: Uncertain significance. Last evaluated: 2025-08-11. Review status: criteria provided, single submitter. Criteria: LabCorp Variant Classification Summary - May 2015. Collection method: clinical testing. Allele origin: germline.
Comment: Variant summary: ATM c.3978C>A (p.Asn1326Lys) results in a non-conservative amino acid change in the encoded protein sequence. Algorithms developed to predict the effect of missense changes on protein structure and function are either unavailable or do not agree on the potential impact of this missense change. The variant allele was found at a frequency of 4e-06 in 251102 control chromosomes (gnomAD). The available data on variant occurrences in the general population are insufficient to allow any conclusion about variant significance. This report does not provide unequivocal conclusions about association of the variant with Ataxia-telangiectasia syndrome. To our knowledge, no experimental evidence demonstrating an impact on protein function has been reported. The following publication has been ascertained in the context of this evaluation (PMID: 31871109). ClinVar contains an entry for this variant (Variation ID: 186087). Based on the evidence outlined above, the variant was classified as uncertain significance.

Ambry Genetics
Classification: Likely benign for Hereditary cancer-predisposing syndrome. Last evaluated: 2025-07-09. Review status: criteria provided, single submitter. Criteria: Ambry Variant Classification Scheme 2023. Collection method: clinical testing. Allele origin: germline.

GeneDx
Classification: Uncertain significance. Last evaluated: 2025-06-22. Review status: criteria provided, single submitter. Criteria: GeneDx Variant Classification Process June 2021. Collection method: clinical testing. Allele origin: germline. Affected: yes.
Comment: Not observed at significant frequency in large population cohorts (gnomAD); In silico analysis suggests that this missense variant does not alter protein structure/function; This variant is associated with the following publications: (PMID: 32832836, 31871109)

Dasa
Classification: Uncertain significance for ATM-related cancer predisposition. Last evaluated: 2025-05-08. Review status: criteria provided, single submitter. Criteria: DASA Assertion Criteria. Collection method: clinical testing. Allele origin: germline.
Comment: NM_000051.4(ATM):c.3978C>A (p.Asn1326Lys) is a missense variant that results in the substitution of asparagine with lysine. This variant is rare in population databases. Computational prediction algorithms are consistent with a benign effect. The currently available literature and clinical evidence are not sufficient to establish a definitive association between this variant and the reported condition. Therefore, this variant is classified as a variant of uncertain significance.

Color Diagnostics, LLC DBA Color Health
Classification: Uncertain significance for Hereditary cancer-predisposing syndrome. Last evaluated: 2025-04-28. Review status: criteria provided, single submitter. Criteria: ACMG Guidelines, 2015. Collection method: clinical testing. Allele origin: germline.
Comment: This missense variant replaces asparagine with lysine at codon 1326 of the ATM protein. Computational prediction suggests that this variant may not impact protein structure and function. To our knowledge, functional studies have not been reported for this variant. This variant has been reported in an individual affected with breast cancer (PMID: 31871109). This variant has been identified in 3/282486 chromosomes in the general population by the Genome Aggregation Database (gnomAD). The available evidence is insufficient to determine the role of this variant in disease conclusively. Therefore, this variant is classified as a Variant of Uncertain Significance.

Quest Diagnostics Nichols Institute San Juan Capistrano
Classification: Uncertain significance. Last evaluated: 2024-11-15. Review status: criteria provided, single submitter. Criteria: Quest Diagnostics criteria. Collection method: clinical testing. Allele origin: unknown.
Comment: The ATM c.3978C>A (p.Asn1326Lys) variant has been reported in the published literature in an individual with breast cancer (PMID: 31871109 (2019)). The frequency of this variant in the general population, 0.00012 (3/24966 chromosomes (Genome Aggregation Database)), is uninformative in the assessment of its pathogenicity. Analysis of this variant using bioinformatics tools for the prediction of the effect of amino acid changes on protein structure and function yielded predictions that this variant is benign. Based on the available information, we are unable to determine the clinical significance of this variant.

Fulgent Genetics
Classification: Uncertain significance for Familial cancer of breast; Ataxia-telangiectasia syndrome. Last evaluated: 2024-02-26. Review status: criteria provided, single submitter. Criteria: ACMG Guidelines, 2015. Collection method: clinical testing. Allele origin: germline.

Baylor Genetics
Classification: Uncertain significance for Familial cancer of breast. Last evaluated: 2023-08-05. Review status: criteria provided, single submitter. Criteria: ACMG Guidelines, 2015. Collection method: clinical testing. Allele origin: unknown.

Sema4
Classification: Uncertain significance for Hereditary cancer-predisposing syndrome. Last evaluated: 2021-10-25. Review status: criteria provided, single submitter. Criteria: Sema4 Curation Guidelines. Collection method: curation. Allele origin: germline.
Comment: The ATM c.3978C>A (p.N1326K) variant has been reported in heterozygosity in at least one woman from a breast cancer case-control study in Cameroon (PMID: 31871109). It was observed in 3/24966 chromosomes of the African/African American subpopulation in the large and broad cohorts of the Genome Aggregation Database (PMID: 32461654). The variant has been reported in ClinVar (Variation ID 186087). In silico tools suggest the impact of the variant on protein function is benign, though these predictions have not been confirmed by functional studies. The evidence is insufficient to meet ACMG/AMP criteria for classifying the variant as benign or pathogenic. Thus, the clinical significance of this variant is currently uncertain.

Mendelics
Classification: Uncertain significance for Ataxia-telangiectasia syndrome. Last evaluated: 2018-07-02. Review status: criteria provided, single submitter. Criteria: Mendelics Assertion Criteria 2017. Collection method: clinical testing. Allele origin: unknown.

PreventionGenetics, part of Exact Sciences
Classification: Uncertain significance. Last evaluated: 2017-06-29. Review status: criteria provided, single submitter. Criteria: ACMG Guidelines, 2015. Collection method: clinical testing. Allele origin: germline.

Natera, Inc.
Classification: Uncertain significance for Ataxia-telangiectasia. Last evaluated: 2020-10-29. Review status: no assertion criteria provided. Collection method: clinical testing. Allele origin: germline. Not counted in ClinVar's aggregate classification.

Literature cited by the submitters: PubMed 31871109 (cited by 5 submitters); PubMed 32832836 (cited by Ambry Genetics).